The following is an entry in ClinVar:

ClinVar aggregate classification (germline): Uncertain significance (1 of 4 stars; one submission).

Submission:

Labcorp Genetics (formerly Invitae), Labcorp
Classification: Uncertain significance. Last evaluated: 2025-10-29. Review status: criteria provided, single submitter. Criteria: Invitae Variant Classification Sherloc (09022015). Collection method: clinical testing. Allele origin: germline.
Comment: This sequence change affects codon 894 of the CACNA1D mRNA. It is a 'silent' change, meaning that it does not change the encoded amino acid sequence of the CACNA1D protein. It affects a nucleotide within the consensus splice site. This variant is not present in population databases (gnomAD no frequency). This variant has not been reported in the literature in individuals affected with CACNA1D-related conditions. Algorithms developed to predict the effect of sequence changes on RNA splicing suggest that this variant is not likely to affect RNA splicing. In summary, the available evidence is currently insufficient to determine the role of this variant in disease. Therefore, it has been classified as a Variant of Uncertain Significance.

NM_001128840.3(CACNA1D):c.2622G>A (p.Pro874=)

Gene: CACNA1D (calcium voltage-gated channel subunit alpha1 D; plus strand). Cytogenetic location: 3p21.1.
Variant type: single nucleotide variant.
Coding change: c.2622G>A on transcript NM_001128840.3 (MANE Select); coding-DNA position 2622, G replaced by A.
Protein change: p.Pro874=; no amino-acid change (proline 874 retained).
Molecular consequence: synonymous variant.
Genome position (GRCh38, 1-based): chr3:53,735,374, G>A. VCF-style: chr3-53735374-G-A. GRCh37 (hg19) VCF-style: chr3-53769401-G-A.
Other names: c.2682G>A, p.Pro894= (NM_000720.4); c.2622G>A, p.Pro874= (NM_001128839.3).
Identifiers: ClinVar variation 4760714 (VCV004760714.1).